The following is an entry in ClinVar:

NM_021147.5(CCNO):c.807T>A (p.Ser269Arg)

Gene: CCNO (cyclin O; minus strand). Cytogenetic location: 5q11.2.
Variant type: single nucleotide variant.
Coding change: c.807T>A on transcript NM_021147.5 (MANE Select); coding-DNA position 807, T replaced by A.
Protein change: p.Ser269Arg; replaces serine 269 with arginine.
Molecular consequence: missense variant. On other transcripts: non-coding transcript variant (3).
Genome position (GRCh38, 1-based): chr5:55,231,621, A>T on the plus strand (T>A on the coding strand, the complement: CCNO is on the minus strand). VCF-style: chr5-55231621-A-T. GRCh37 (hg19) VCF-style: chr5-54527449-A-T.
Other names: short protein forms S269R.
Identifiers: ClinVar variation 1304537 (VCV001304537.3), dbSNP rs2111714327, ClinGen allele CA359721090.

ClinVar aggregate classification (germline): Uncertain significance (1 of 4 stars; one submission).

Submission:

GeneDx
Classification: Uncertain significance. Last evaluated: 2025-01-23. Review status: criteria provided, single submitter. Criteria: GeneDx Variant Classification Process June 2021. Collection method: clinical testing. Allele origin: germline. Affected: yes.
Comment: Not observed at significant frequency in large population cohorts (gnomAD); In silico analysis supports that this missense variant has a deleterious effect on protein structure/function; Has not been previously published as pathogenic or benign to our knowledge